The following is an entry in ClinVar:

ClinVar aggregate classification (germline): Pathogenic (1 of 4 stars; one submission).

Conditions:
Cardiovascular phenotype. Identifiers: MedGen CN230736.
Hereditary cancer-predisposing syndrome. Also called: Hereditary Cancer Syndrome; Hereditary neoplastic syndrome; Neoplastic Syndromes, Hereditary; Tumor predisposition. Identifiers: Orphanet 140162, MedGen C0027672, MeSH D009386, MONDO:0015356.

Submission:

Ambry Genetics
Classification: Pathogenic for Cardiovascular phenotype; Hereditary cancer-predisposing syndrome. Last evaluated: 2020-12-01. Review status: criteria provided, single submitter. Criteria: Ambry Variant Classification Scheme 2023. Collection method: clinical testing. Allele origin: germline.
Comment: The c.4629dupT pathogenic mutation, located in coding exon 34 of the NF1 gene, results from a duplication of T at nucleotide position 4629, causing a translational frameshift with a predicted alternate stop codon (p.T1544Yfs*6). This alteration is expected to result in loss of function by premature protein truncation or nonsense-mediated mRNA decay. As such, this alteration is interpreted as a disease-causing mutation.

NM_001042492.3(NF1):c.4692dup (p.Thr1565fs)

Gene: NF1 (neurofibromin 1; plus strand). Cytogenetic location: 17q11.2.
Variant type: Duplication.
Coding change: c.4692dup on transcript NM_001042492.3 (MANE Select); coding-DNA position 4692, one base duplicated (T; older notation c.4692dupT).
Protein change: p.Thr1565fs; shifts the reading frame from threonine 1565.
Molecular consequence: frameshift variant.
Genome position (GRCh38, 1-based): chr17:31,261,825, T duplicated; the last of 2 consecutive T bases (chr17:31,261,824-31,261,825); duplicating either gives the same sequence. VCF-style (leftmost placement, unchanged base first): chr17-31261823-C-CT. GRCh37 (hg19) VCF-style: chr17-29588841-C-CT.
Other names: c.4629dupT (NM_000267.3); c.4629dup, p.Thr1544Tyrfs (NM_000267.4); short protein forms T1544fs, T1565fs.
Identifiers: ClinVar variation 1741993 (VCV001741993.2), dbSNP rs2508430563, ClinGen allele CA2580093306.
Genomic context (GRCh38, chr17:31,261,823, plus strand): 5'-GCATACCTGGGTCCTCCAGAGCACAAACCTGTGGCAGATACACACTGGTCCAGCCTTAAC[C>CT]TTACCAGTTCAAAGTTTGAGGAATTTATGACTAGGTAAAGTACAACCTTGAAATAGTTGA-3'